The following is an entry in ClinVar:

ClinVar aggregate classification (germline): Uncertain significance (1 of 4 stars; one submission).

Conditions:
Frontotemporal dementia and/or amyotrophic lateral sclerosis 1 (FTDALS1). Also called: C9orf72 Frontotemporal Dementia and/or Amyotrophic Lateral Sclerosis; Frontotemporal dementia with motor neuron disease 1. Identifiers: Orphanet 275872, MedGen C5779877, MONDO:0007105, OMIM 105550.
Paget disease of bone 2, early-onset (PDB2). Also called: Paget disease of bone 2. Identifiers: MedGen C4085251, MONDO:0011183, OMIM 602080.

gnomAD v4.1: 1 of 1,355,478 alleles (0.000074%); highest among the groups gnomAD compares: South Asian, 0.0018%; no homozygotes.

Submission:

Labcorp Genetics (formerly Invitae), Labcorp
Classification: Uncertain significance for Paget disease of bone 2, early-onset; Frontotemporal dementia and/or amyotrophic lateral sclerosis 1. Last evaluated: 2025-10-01. Review status: criteria provided, single submitter. Criteria: Invitae Variant Classification Sherloc (09022015). Collection method: clinical testing. Allele origin: germline.
Comment: This sequence change replaces histidine, which is basic and polar, with glutamine, which is neutral and polar, at codon 66 of the SQSTM1 protein (p.His66Gln). This variant is not present in population databases (gnomAD no frequency). This variant has not been reported in the literature in individuals affected with SQSTM1-related conditions. Invitae Evidence Modeling of protein sequence and biophysical properties (such as structural, functional, and spatial information, amino acid conservation, physicochemical variation, residue mobility, and thermodynamic stability) indicates that this missense variant is not expected to disrupt SQSTM1 protein function with a negative predictive value of 80%. In summary, the available evidence is currently insufficient to determine the role of this variant in disease. Therefore, it has been classified as a Variant of Uncertain Significance.

NM_003900.5(SQSTM1):c.198C>G (p.His66Gln)

Genes: SQSTM1 (sequestosome 1; plus strand), LOC129995449 (ATAC-STARR-seq lymphoblastoid silent region 16749; plus strand). Cytogenetic location: 5q35.3.
Variant type: single nucleotide variant.
Coding change: c.198C>G on transcript NM_003900.5 (MANE Select); coding-DNA position 198, C replaced by G.
Protein change: p.His66Gln; replaces histidine 66 with glutamine.
Molecular consequence: missense variant. On other transcripts: intron variant (2).
Genome position (GRCh38, 1-based): chr5:179,821,134, C>G. VCF-style: chr5-179821134-C-G. GRCh37 (hg19) VCF-style: chr5-179248134-C-G.
Other names: c.-47-1824C>G (NM_001142298.2, NM_001142299.2); short protein forms H66Q.
Identifiers: ClinVar variation 4793967 (VCV004793967.1).